The following is an entry in ClinVar:

ClinVar aggregate classification (germline): Uncertain significance. Review status: criteria provided, multiple submitters, no conflicts (2 of 4 stars). 6 submissions from 6 submitters: Uncertain significance (6). Last evaluated 2025-07-05.

Conditions:
Classic or attenuated familial adenomatous polyposis. Identifiers: MedGen CN372698, MONDO:0021057.
Hereditary cancer-predisposing syndrome. Also called: Neoplastic Syndromes, Hereditary; Tumor predisposition; Hereditary Cancer Syndrome; Hereditary neoplastic syndrome. Identifiers: Orphanet 140162, MedGen C0027672, MeSH D009386, MONDO:0015356.
Familial adenomatous polyposis 1 (FAP1). Also called: FAMILIAL ADENOMATOUS POLYPOSIS 1, ATTENUATED; POLYPOSIS, ADENOMATOUS INTESTINAL. Identifiers: MedGen C2713442, MONDO:0021056, OMIM 175100. Disease mechanism: loss of function.

Submissions (6):

Ambry Genetics
Classification: Uncertain significance for Hereditary cancer-predisposing syndrome. Last evaluated: 2025-07-05. Review status: criteria provided, single submitter. Criteria: Ambry Variant Classification Scheme 2023. Collection method: clinical testing. Allele origin: germline.
Comment: The p.S1610G variant (also known as c.4828A>G), located in coding exon 15 of the APC gene, results from an A to G substitution at nucleotide position 4828. The serine at codon 1610 is replaced by glycine, an amino acid with similar properties. This amino acid position is highly conserved in available vertebrate species. In addition, in silico predictors for this gene do not accurately predict pathogenicity. Since supporting evidence is limited at this time, the clinical significance of this alteration remains unclear.

All of Us Research Program, National Institutes of Health
Classification: Uncertain significance for Classic or attenuated familial adenomatous polyposis. Last evaluated: 2023-12-18. Review status: criteria provided, single submitter. Criteria: ACMG Guidelines, 2015. Collection method: clinical testing. Allele origin: germline. Inheritance: Autosomal dominant inheritance. Observed: 1 variant allele, 1 heterozygote.
Comment: This missense variant replaces serine with glycine at codon 1610 of the APC protein. Computational prediction suggests that this variant may not impact protein structure and function (internally defined REVEL score threshold <= 0.5, PMID: 27666373). To our knowledge, functional studies have not been reported for this variant. This variant has been reported in an individual being evaluated for familial adenomatous polyposis (PMID: 23159591). This variant has not been identified in the general population by the Genome Aggregation Database (gnomAD). The available evidence is insufficient to determine the role of this variant in disease conclusively. Therefore, this variant is classified as a Variant of Uncertain Significance.

This study involves interpretation of variants in research participants for the purpose of population health screening. Participant phenotype was not available at the time of variant classification. Additional details can be found in publication PMID: 35346344, PMCID: PMC8962531

Color Diagnostics, LLC DBA Color Health
Classification: Uncertain significance for Hereditary cancer-predisposing syndrome. Last evaluated: 2023-11-24. Review status: criteria provided, single submitter. Criteria: ACMG Guidelines, 2015. Collection method: clinical testing. Allele origin: germline.
Comment: This missense variant replaces serine with glycine at codon 1610 of the APC protein. Computational prediction suggests that this variant may not impact protein structure and function. To our knowledge, functional studies have not been reported for this variant. This variant has been reported in an individual being evaluated for familial adenomatous polyposis (PMID: 23159591). This variant has not been identified in the general population by the Genome Aggregation Database (gnomAD). The available evidence is insufficient to determine the role of this variant in disease conclusively. Therefore, this variant is classified as a Variant of Uncertain Significance.

Labcorp Genetics (formerly Invitae), Labcorp
Classification: Uncertain significance for Familial adenomatous polyposis 1. Last evaluated: 2023-09-30. Review status: criteria provided, single submitter. Criteria: Invitae Variant Classification Sherloc (09022015). Collection method: clinical testing. Allele origin: germline.
Comment: This sequence change replaces serine, which is neutral and polar, with glycine, which is neutral and non-polar, at codon 1610 of the APC protein (p.Ser1610Gly). This variant is not present in population databases (gnomAD no frequency). This missense change has been observed in individual(s) with clinical features of familial adenomatous polyposis (PMID: 23159591). ClinVar contains an entry for this variant (Variation ID: 141124). Advanced modeling of protein sequence and biophysical properties (such as structural, functional, and spatial information, amino acid conservation, physicochemical variation, residue mobility, and thermodynamic stability) performed at Invitae indicates that this missense variant is not expected to disrupt APC protein function. In summary, the available evidence is currently insufficient to determine the role of this variant in disease. Therefore, it has been classified as a Variant of Uncertain Significance.

Sema4
Classification: Uncertain significance for Hereditary cancer-predisposing syndrome. Last evaluated: 2022-02-15. Review status: criteria provided, single submitter. Criteria: Sema4 Curation Guidelines. Collection method: curation. Allele origin: germline.
Comment: The APC c.4828A>G (p.S1610G) variant has been reported in at least 1 individual with clinical features of familial adenomatous polyposis (PMID: 23159591). This variant is not reported in the population database Genome Aggregation Database (PMID 32461654). The variant has been reported in ClinVar (Variation ID 141124). Functional studies have not been performed, and in silico predictions of the variant's effect on protein function are inconclusive. The evidence is insufficient to meet ACMG/AMP criteria for classifying the variant as benign or pathogenic. Thus, the clinical significance of this variant is currently uncertain.

PreventionGenetics, part of Exact Sciences
Classification: Uncertain significance. Last evaluated: 2017-03-27. Review status: criteria provided, single submitter. Criteria: ACMG Guidelines, 2015. Collection method: clinical testing. Allele origin: germline.

Literature cited by the submitters: PubMed 23159591 (cited by 4 submitters).

NM_000038.6(APC):c.4828A>G (p.Ser1610Gly)

Gene: APC (APC regulator of Wnt signaling pathway; plus strand). Cytogenetic location: 5q22.2.
Variant type: single nucleotide variant.
Coding change: c.4828A>G on transcript NM_000038.6 (MANE Select); coding-DNA position 4828, A replaced by G.
Protein change: p.Ser1610Gly; replaces serine 1610 with glycine.
Molecular consequence: missense variant.
Genome position (GRCh38, 1-based): chr5:112,840,422, A>G. VCF-style: chr5-112840422-A-G. GRCh37 (hg19) VCF-style: chr5-112176119-A-G.
Other names: c.4828A>G, p.Ser1610Gly (NM_001127510.3, NM_001354895.2); c.4774A>G, p.Ser1592Gly (NM_001127511.3); c.4882A>G, p.Ser1628Gly (NM_001354896.2); c.4858A>G, p.Ser1620Gly (NM_001354897.2); c.4753A>G, p.Ser1585Gly (NM_001354898.2); c.4744A>G, p.Ser1582Gly (NM_001354899.2); c.4705A>G, p.Ser1569Gly (NM_001354900.2); c.4651A>G, p.Ser1551Gly (NM_001354901.2); and 5 more; short protein forms S1592G, S1610G, S1509G, S1551G, S1582G, S1628G, S1519G, S1620G.
Identifiers: ClinVar variation 141124 (VCV000141124.20), dbSNP rs587781512, ClinGen allele CA009767.